The following is an entry in ClinVar:

ClinVar aggregate classification (germline): Uncertain significance. Review status: criteria provided, multiple submitters, no conflicts (2 of 4 stars). 4 submissions from 4 submitters: Uncertain significance (4). Last evaluated 2025-07-05.

Conditions:
Hereditary cancer-predisposing syndrome. Also called: Tumor predisposition; Neoplastic Syndromes, Hereditary; Hereditary Cancer Syndrome; Hereditary neoplastic syndrome. Identifiers: Orphanet 140162, MedGen C0027672, MeSH D009386, MONDO:0015356.
Multiple endocrine neoplasia, type 2 (MEN2). Identifiers: Orphanet 653, MedGen C4048306, MONDO:0019003. Disease mechanism: gain of function.

Allele frequency attached by ClinVar (database versions not stated): gnomAD exomes below 0.00001.
gnomAD v4.1: 3 of 1,613,944 alleles (0.00019%); highest among the groups gnomAD compares: Non-Finnish European, 0.00025%; no homozygotes.

Submissions (4):

Color Diagnostics, LLC DBA Color Health
Classification: Uncertain significance for Multiple endocrine neoplasia, type 2. Last evaluated: 2025-07-05. Review status: criteria provided, single submitter. Criteria: ACMG Guidelines, 2015. Collection method: clinical testing. Allele origin: germline.
Comment: This variant causes an A to G nucleotide substitution at the +3 position of intron 19 of the RET gene. Splicing prediction tools indicate that this variant weakens the intron 19 splice donor site (PMID: 30661751, PMID: 35449021), although this prediction has not been confirmed in published RNA or functional studies to our knowledge. This variant has not been reported in individuals affected with RET-related disorders in the literature. This variant has not been identified in the general population by the Genome Aggregation Database (gnomAD). The available evidence is insufficient to determine the role of this variant in disease conclusively. Therefore, this variant is classified as a Variant of Uncertain Significance.

Labcorp Genetics (formerly Invitae), Labcorp
Classification: Uncertain significance for Multiple endocrine neoplasia, type 2. Last evaluated: 2024-07-15. Review status: criteria provided, single submitter. Criteria: Invitae Variant Classification Sherloc (09022015). Collection method: clinical testing. Allele origin: germline.
Comment: This sequence change falls in intron 19 of the RET gene. It does not directly change the encoded amino acid sequence of the RET protein. It affects a nucleotide within the consensus splice site. This variant is not present in population databases (gnomAD no frequency). This variant has not been reported in the literature in individuals affected with RET-related conditions. ClinVar contains an entry for this variant (Variation ID: 1728601). Variants that disrupt the consensus splice site are a relatively common cause of aberrant splicing (PMID: 17576681, 9536098). Algorithms developed to predict the effect of sequence changes on RNA splicing suggest that this variant may disrupt the consensus splice site. In summary, the available evidence is currently insufficient to determine the role of this variant in disease. Therefore, it has been classified as a Variant of Uncertain Significance.

All of Us Research Program, National Institutes of Health
Classification: Uncertain significance for Multiple endocrine neoplasia, type 2. Last evaluated: 2023-06-08. Review status: criteria provided, single submitter. Criteria: ACMG Guidelines, 2015. Collection method: clinical testing. Allele origin: germline. Inheritance: Autosomal dominant inheritance. Observed: 1 variant allele, 1 heterozygote.
Comment: This variant causes an A to G nucleotide substitution at the +3 position of intron 19 of the RET gene. To our knowledge, functional studies have not been reported for this variant. This variant has not been reported in individuals affected with RET-related disorders in the literature. This variant has not been identified in the general population by the Genome Aggregation Database (gnomAD). The available evidence is insufficient to determine the role of this variant in disease conclusively. Therefore, this variant is classified as a Variant of Uncertain Significance.

This study involves interpretation of variants in research participants for the purpose of population health screening. Participant phenotype was not available at the time of variant classification. Additional details can be found in publication PMID: 35346344, PMCID: PMC8962531

Ambry Genetics
Classification: Uncertain significance for Hereditary cancer-predisposing syndrome. Last evaluated: 2022-11-16. Review status: criteria provided, single submitter. Criteria: Ambry Variant Classification Scheme 2023. Collection method: clinical testing. Allele origin: germline.
Comment: The c.3187+3A>G intronic variant results from an A to G substitution 3 nucleotides after coding exon 19 in the RET gene. This nucleotide position is highly conserved in available vertebrate species. In silico splice site analysis predicts that this alteration may weaken the native splice donor site. Since supporting evidence is limited at this time, the clinical significance of this alteration remains unclear.

Literature cited by the submitters: PubMed 30661751 (cited by Color Diagnostics, LLC DBA Color Health); PubMed 35449021 (cited by Color Diagnostics, LLC DBA Color Health); PubMed 17576681 (cited by Labcorp Genetics (formerly Invitae), Labcorp); PubMed 9536098 (cited by Labcorp Genetics (formerly Invitae), Labcorp).

NM_020975.6(RET):c.3187+3A>G

Gene: RET (ret proto-oncogene; plus strand). Cytogenetic location: 10q11.21.
Variant type: single nucleotide variant.
Coding change: c.3187+3A>G on transcript NM_020975.6 (MANE Select); 3 bases into the intron after coding-DNA position 3187, A replaced by G.
Molecular consequence: intron variant. On other transcripts: missense variant (18).
Genome position (GRCh38, 1-based): chr10:43,126,725, A>G. VCF-style: chr10-43126725-A-G. GRCh37 (hg19) VCF-style: chr10-43622173-A-G.
Other names: c.2428A>G, p.Arg810Gly (NM_001355216.2); c.3061A>G, p.Arg1021Gly (NM_001406764.1); c.3055A>G, p.Arg1019Gly (NM_001406765.1); c.2926A>G, p.Arg976Gly (NM_001406768.1); c.2902A>G, p.Arg968Gly (NM_001406770.1); c.2794A>G, p.Arg932Gly (NM_001406772.1); c.2752A>G, p.Arg918Gly (NM_001406773.1); c.2665A>G, p.Arg889Gly (NM_001406774.1); and 10 more; short protein forms R1021G, R1064G, R722G, R765G, R810G, R822G, R629G, R669G.
Identifiers: ClinVar variation 1728601 (VCV001728601.7), dbSNP rs2133038158, ClinGen allele CA376558569.